The following is an entry in ClinVar:

NM_052867.4(NALCN):c.2563C>T (p.Arg855Ter)

Gene: NALCN (sodium leak channel, non-selective; minus strand). Cytogenetic location: 13q33.1.
Variant type: single nucleotide variant.
Coding change: c.2563C>T on transcript NM_052867.4 (MANE Select); coding-DNA position 2563, C replaced by T.
Protein change: p.Arg855Ter; replaces arginine 855 with a stop codon.
Molecular consequence: nonsense.
Genome position (GRCh38, 1-based): chr13:101,107,503, G>A on the plus strand (C>T on the coding strand, the complement: NALCN is on the minus strand). VCF-style: chr13-101107503-G-A. GRCh37 (hg19) VCF-style: chr13-101759854-G-A.
Other names: c.2650C>T, p.Arg884Ter (NM_001350748.2); c.2563C>T, p.Arg855Ter (NM_001350749.2); c.2476C>T, p.Arg826Ter (NM_001350750.2, NM_001350751.2); short protein forms R855*, R826*, R884*.
Identifiers: ClinVar variation 489164 (VCV000489164.20), dbSNP rs376152742, ClinGen allele CA7035672.

ClinVar aggregate classification (germline): Pathogenic. Review status: criteria provided, multiple submitters, no conflicts (2 of 4 stars). 9 submissions from 9 submitters: Pathogenic (9). Last evaluated 2025-08-13.

Conditions:
NALCN-related disorder. Also called: NALCN-related condition; NALCN-related disorders.
Inborn genetic diseases. Identifiers: MedGen C0950123, MeSH D030342.
Hypotonia, infantile, with psychomotor retardation and characteristic facies 1 (INNFD). Identifiers: Orphanet 371364, Orphanet 700336, MedGen C3809454, MONDO:0024567, OMIM 615419.

Allele frequency attached by ClinVar (database versions not stated): gnomAD 0.00001; TOPMed 0.00001; gnomAD exomes 0.00002; ExAC 0.00004; ESP Exome Variant Server 0.00008.
gnomAD v4.1: 41 of 1,613,976 alleles (0.0025%); highest among the groups gnomAD compares: Non-Finnish European, 0.003%; no homozygotes.

Submissions (9):

Labcorp Genetics (formerly Invitae), Labcorp
Classification: Pathogenic. Last evaluated: 2025-08-13. Review status: criteria provided, single submitter. Criteria: Invitae Variant Classification Sherloc (09022015). Collection method: clinical testing. Allele origin: germline.
Comment: This sequence change creates a premature translational stop signal (p.Arg855*) in the NALCN gene. It is expected to result in an absent or disrupted protein product. Loss-of-function variants in NALCN are known to be pathogenic (PMID: 23749988, 24075186). This variant is present in population databases (rs376152742, gnomAD 0.005%). This premature translational stop signal has been observed in individual(s) with clinical features of autosomal recessive NALCN-related conditions (PMID: 29610177, 32943903). ClinVar contains an entry for this variant (Variation ID: 489164). For these reasons, this variant has been classified as Pathogenic.

Women's Health and Genetics/Laboratory Corporation of America, LabCorp
Classification: Pathogenic for Hypotonia, infantile, with psychomotor retardation and characteristic facies 1. Last evaluated: 2025-07-30. Review status: criteria provided, single submitter. Criteria: LabCorp Variant Classification Summary - May 2015. Collection method: clinical testing. Allele origin: germline.
Comment: Variant summary: NALCN c.2563C>T (p.Arg855X) results in a premature termination codon, predicted to cause a truncation of the encoded protein or absence of the protein due to nonsense mediated decay, which are commonly known mechanisms for disease. The variant allele was found at a frequency of 2e-05 in 251272 control chromosomes. c.2563C>T has been observed as a biallelic genotype in individuals affected with Infantile Hypotonia With Psychomotor Retardation And Characteristic Facies (e.g., Karimi_2020). These data indicate that the variant is likely to be associated with disease. The following publication has been ascertained in the context of this evaluation (PMID: 32943903). ClinVar contains an entry for this variant (Variation ID: 489164). Based on the evidence outlined above, the variant was classified as pathogenic.

Rady Children's Institute for Genomic Medicine, Rady Children's Hospital San Diego
Classification: Pathogenic for NALCN-related disorders. Last evaluated: 2024-10-09. Review status: criteria provided, single submitter. Criteria: ACMG Guidelines, 2015. Collection method: clinical testing. Allele origin: germline. Affected: yes.
Comment: This nonsense variant found in exon 22 of 44 is predicted to result in loss of normal protein function through either protein truncation or nonsense-mediated mRNA decay. Loss-of-function variation in NALCN is an established mechanism of disease (PMID: 29610177). This variant has been previously reported as a compound heterozygous and homozygous change in patients with infantile hypotonia with psychomotor retardation and characteristic facies-1 (PMID: 29610177, 32943903). The c.2563C>T (p.Arg855Ter) variant is present in the latest version of the gnomAD population database at an allele frequency of 0.003% (41/1613976), and is absent in the homozygous state, thus is presumed to be rare. Based on the available evidence, c.2563C>T (p.Arg855Ter) is classified as Pathogenic.

GeneDx
Classification: Pathogenic. Last evaluated: 2022-10-10. Review status: criteria provided, single submitter. Criteria: GeneDx Variant Classification Process June 2021. Collection method: clinical testing. Allele origin: germline. Affected: yes.
Comment: Nonsense variant predicted to result in protein truncation or nonsense mediated decay in a gene for which loss-of-function is a known mechanism of disease; This variant is associated with the following publications: (PMID: 29610177, 32943903, 35808948)

Ambry Genetics
Classification: Pathogenic for Inborn genetic diseases. Last evaluated: 2020-01-14. Review status: criteria provided, single submitter. Criteria: Ambry Variant Classification Scheme 2023. Collection method: clinical testing. Allele origin: germline.
Comment: The alteration results in a premature stop codon: _x000D_ _x000D_ The c.2563C>T (p.R855*) alteration, located in exon 22 (coding exon 21) of the NALCN gene, results from a C to T substitution at nucleotide position 2563. This changes the amino acid from a arginine (R) to a stop codon at amino acid position 855. This alteration is expected to result in loss of function by premature protein truncation or nonsense-mediated mRNA decay. The alteration has been observed in an affected individual: _x000D_ _x000D_ This alteration was reported in a patient with developmental delay, hypotonia, feeding difficulties, plagiocephaly, and disordered respiratory rhythm with central apnea (Campbell, 2018). Based on the available evidence, this alteration is classified as pathogenic.

Undiagnosed Diseases Network, NIH
Classification: Pathogenic for Hypotonia, infantile, with psychomotor retardation and characteristic facies 1. Last evaluated: 2019-09-19. Review status: criteria provided, single submitter. Criteria: ACMG Guidelines, 2015. Collection method: clinical testing. Allele origin: maternal. Inheritance: Autosomal recessive inheritance. Affected: yes. Observed: 3 variant alleles, 2 compound heterozygotes. Clinical features observed: Strabismus (HP:0000486), Seizures (HP:0001250), Ptosis (HP:0000508), Primary Caesarian section (HP:0030363), Mitochondrial myopathy (HP:0003737), Inability to walk (HP:0002540), Hypertonia (HP:0001276), Global developmental delay (HP:0001263), Failure to thrive (HP:0001508), Exaggerated startle response (HP:0002267), Esotropia (HP:0000565), Developmental regression (HP:0002376), and 6 more.

Genetics Laboratory, Department of Biology, Semnan University
Classification: Pathogenic for Hypotonia, infantile, with psychomotor retardation and characteristic facies 1. Last evaluated: 2018-09-19. Review status: criteria provided, single submitter. Criteria: ACMG Guidelines, 2015. Collection method: case-control. Allele origin: inherited. Inheritance: Autosomal recessive inheritance. Affected: yes. Observed: 1 variant allele, 1 homozygote.
Comment: The WES analysis identified a stop gain mutation in the NALCN gene on chromosome13 (NM_052867); chr13:101107503G/A c.2563C>T p.R855X (rs376152742). The mutation was predicted to be pathogenic by MutationTaster and CADD_phred. Our review of the public resources, local population database, and the literature revealed that there is no previous publication describing this mutation in homozygous form. However, a single ClinVar submission confirmed the pathogenic effects of this genetic anomaly but merely provided an overview of the resulting manifestations with no detailed information. Furthermore, it failed to distinguish between IHPRF1 and CLIFAHDD and resulted in confusion by referring to several publications on CLIFAHDD as supporting evidence (SCV000742166.1).

Juno Genomics, Hangzhou Juno Genomics, Inc
Classification: Pathogenic for Hypotonia, infantile, with psychomotor retardation and characteristic facies 1. Review status: criteria provided, single submitter. Criteria: ACMG Guidelines, 2015. Collection method: clinical testing. Allele origin: germline.
Comment: Absent from controls (or at extremely low frequency if recessive) in Genome Aggregation Database.;Null variant in a gene where loss of function (LOF) is a known mechanism of disease.;For recessive disorders, detected in trans with a pathogenic variant.

Neuberg Centre For Genomic Medicine, NCGM
Classification: Pathogenic for Hypotonia, infantile, with psychomotor retardation and characteristic facies 1. Review status: criteria provided, single submitter. Criteria: ACMG Guidelines, 2015. Collection method: clinical testing. Allele origin: germline. Inheritance: Autosomal recessive inheritance. Affected: yes.
Comment: The stop gained variant has been reported previously in homozygous and compound heterozygous state in patients affected with Infantile hypotonia with psychomotor retardation and characteristic facies (Karimi et al). The c.2563C>T variant is reported with the allele frequency of 0.002123% in gnomAD and is novel (not in any individuals) in 1000 Genomes. This variant has been reported to the ClinVar database as Pathogenic. The nucleotide change c.2563C>T in NALCN is predicted as conserved by GERP++ and PhyloP across 100 vertebrates. Loss of function variants have been previously reported to be disease causing. For these reasons, this variant has been classified as Pathogenic.

Literature cited by the submitters: PubMed 23749988 (cited by Labcorp Genetics (formerly Invitae), Labcorp); PubMed 24075186 (cited by Labcorp Genetics (formerly Invitae), Labcorp); PubMed 29610177 (cited by Labcorp Genetics (formerly Invitae), Labcorp and Ambry Genetics); PubMed 32943903 (cited by Labcorp Genetics (formerly Invitae), Labcorp and Women's Health and Genetics/Laboratory Corporation of America, LabCorp); DOI 10.2147/TACG.S261781 (cited by Genetics Laboratory, Department of Biology, Semnan University).